The following is an entry in ClinVar:

NM_001868.4(CPA1):c.796G>C (p.Ala266Pro)

Gene: CPA1 (carboxypeptidase A1; plus strand). Cytogenetic location: 7q32.2.
Variant type: single nucleotide variant.
Coding change: c.796G>C on transcript NM_001868.4 (MANE Select); coding-DNA position 796, G replaced by C.
Protein change: p.Ala266Pro; replaces alanine 266 with proline.
Molecular consequence: missense variant.
Genome position (GRCh38, 1-based): chr7:130,385,154, G>C. VCF-style: chr7-130385154-G-C. GRCh37 (hg19) VCF-style: chr7-130024995-G-C.
Other names: short protein forms A266P.
Identifiers: ClinVar variation 1355453 (VCV001355453.9), dbSNP rs1321257803, ClinGen allele CA369283201.

ClinVar aggregate classification (germline): Uncertain significance. Review status: criteria provided, multiple submitters, no conflicts (2 of 4 stars). 2 submissions from 2 submitters: Uncertain significance (2). Last evaluated 2024-12-10.

Conditions:
Hereditary pancreatitis (PCTT). Also called: PRSS1-Related Hereditary Pancreatitis; Hereditary chronic pancreatitis. Identifiers: Orphanet 676, MedGen C0238339, MONDO:0008185, OMIM 167800.

Allele frequency attached by ClinVar (database versions not stated): gnomAD exomes below 0.00001; gnomAD 0.00001; TOPMed 0.00001.
gnomAD v4.1: 7 of 1,614,052 alleles (0.00043%); highest among the groups gnomAD compares: Non-Finnish European, 0.00051%; no homozygotes.

Submissions (2):

Ambry Genetics
Classification: Uncertain significance for Hereditary pancreatitis. Last evaluated: 2024-12-10. Review status: criteria provided, single submitter. Criteria: Ambry Variant Classification Scheme 2023. Collection method: clinical testing. Allele origin: germline.
Comment: The p.A266P variant (also known as c.796G>C), located in coding exon 8 of the CPA1 gene, results from a G to C substitution at nucleotide position 796. The alanine at codon 266 is replaced by proline, an amino acid with highly similar properties. This amino acid position is not well conserved in available vertebrate species. In addition, this alteration is predicted to be tolerated by in silico analysis. Since supporting evidence is limited at this time, the clinical significance of this alteration remains unclear.

Labcorp Genetics (formerly Invitae), Labcorp
Classification: Uncertain significance. Last evaluated: 2024-04-10. Review status: criteria provided, single submitter. Criteria: Invitae Variant Classification Sherloc (09022015). Collection method: clinical testing. Allele origin: germline.
Comment: This sequence change replaces alanine, which is neutral and non-polar, with proline, which is neutral and non-polar, at codon 266 of the CPA1 protein (p.Ala266Pro). This variant is not present in population databases (gnomAD no frequency). This variant has not been reported in the literature in individuals affected with CPA1-related conditions. ClinVar contains an entry for this variant (Variation ID: 1355453). Advanced modeling of protein sequence and biophysical properties (such as structural, functional, and spatial information, amino acid conservation, physicochemical variation, residue mobility, and thermodynamic stability) has been performed at Invitae for this missense variant, however the output from this modeling did not meet the statistical confidence thresholds required to predict the impact of this variant on CPA1 protein function. In summary, the available evidence is currently insufficient to determine the role of this variant in disease. Therefore, it has been classified as a Variant of Uncertain Significance.